The following is an entry in ClinVar:

ClinVar aggregate classification (germline): Uncertain significance (1 of 4 stars; one submission).

Submission:

Labcorp Genetics (formerly Invitae), Labcorp
Classification: Uncertain significance. Last evaluated: 2023-10-03. Review status: criteria provided, single submitter. Criteria: Invitae Variant Classification Sherloc (09022015). Collection method: clinical testing. Allele origin: germline.
Comment: This sequence change replaces leucine, which is neutral and non-polar, with serine, which is neutral and polar, at codon 51 of the MICU1 protein (p.Leu51Ser). This variant is not present in population databases (gnomAD no frequency). This variant has not been reported in the literature in individuals affected with MICU1-related conditions. ClinVar contains an entry for this variant (Variation ID: 2111779). Experimental studies and prediction algorithms are not available or were not evaluated, and the functional significance of this variant is currently unknown. In summary, the available evidence is currently insufficient to determine the role of this variant in disease. Therefore, it has been classified as a Variant of Uncertain Significance.

NM_001195518.2(MICU1):c.152T>C (p.Leu51Ser)

Gene: MICU1 (mitochondrial calcium uptake 1; minus strand). Cytogenetic location: 10q22.1.
Variant type: single nucleotide variant.
Coding change: c.152T>C on transcript NM_001195518.2 (MANE Select); coding-DNA position 152, T replaced by C.
Protein change: p.Leu51Ser; replaces leucine 51 with serine.
Molecular consequence: missense variant.
Genome position (GRCh38, 1-based): chr10:72,566,642, A>G on the plus strand (T>C on the coding strand, the complement: MICU1 is on the minus strand). VCF-style: chr10-72566642-A-G. GRCh37 (hg19) VCF-style: chr10-74326400-A-G.
Other names: c.152T>C, p.Leu51Ser (NM_001363513.2, NM_006077.4); short protein forms L51S.
Identifiers: ClinVar variation 2111779 (VCV002111779.4), dbSNP rs2495703301, ClinGen allele CA377395616.